The following is an entry in ClinVar:

ClinVar aggregate classification (germline): Likely benign (1 of 4 stars; one submission).

Conditions:
HTT-related disorder. Also called: HTT-related condition.

Allele frequency attached by ClinVar (database versions not stated): gnomAD exomes below 0.00001.
gnomAD v4.1: 1 of 1,614,206 alleles (0.000062%); highest among the groups gnomAD compares: Non-Finnish European, 0.000085%; no homozygotes.

Submission:

PreventionGenetics, part of Exact Sciences
Classification: Likely benign for HTT-related condition. Last evaluated: 2020-09-03. Review status: criteria provided, single submitter. Criteria: ACMG Guidelines, 2015. Collection method: clinical testing. Allele origin: germline.
Comment: This variant is classified as likely benign based on ACMG/AMP sequence variant interpretation guidelines (Richards et al. 2015 PMID: 25741868, with internal and published modifications).

NM_001388492.1(HTT):c.7110G>A (p.Leu2370=)

Gene: HTT (huntingtin; plus strand). Cytogenetic location: 4p16.3.
Variant type: single nucleotide variant.
Coding change: c.7110G>A on transcript NM_001388492.1 (MANE Select); coding-DNA position 7110, G replaced by A.
Protein change: p.Leu2370=; no amino-acid change (leucine 2370 retained).
Molecular consequence: synonymous variant.
Genome position (GRCh38, 1-based): chr4:3,217,820, G>A. VCF-style: chr4-3217820-G-A. GRCh37 (hg19) VCF-style: chr4-3219547-G-A.
Other names: c.7116G>A, p.Leu2372= (NM_002111.8).
Identifiers: ClinVar variation 3032534 (VCV003032534.1), dbSNP rs2474051518, ClinGen allele CA438134473.